The following is an entry in ClinVar:

ClinVar aggregate classification (germline): Uncertain significance. Review status: criteria provided, multiple submitters, no conflicts (2 of 4 stars). 2 submissions from 2 submitters: Uncertain significance (2). Last evaluated 2024-10-01.

Conditions:
Joubert syndrome. Also called: CEREBELLOPARENCHYMAL DISORDER IV; JOUBERT-BOLTSHAUSER SYNDROME; Familial aplasia of the vermis. Identifiers: Orphanet 475, MedGen C5979921, MONDO:0018772.
Nephronophthisis. Also called: Juvenile Nephronophthisis. Identifiers: Orphanet 655, MedGen C0687120, MONDO:0019005, HP:0000090.
Meckel-Gruber syndrome. Also called: DYSENCEPHALIA SPLANCHNOCYSTICA; GRUBER SYNDROME; Dysencephalia splachnocystica. Identifiers: Orphanet 564, MedGen C0265215, MONDO:0018921.
Inborn genetic diseases. Identifiers: MedGen C0950123, MeSH D030342.

Submissions (2):

Ambry Genetics
Classification: Uncertain significance for Inborn genetic diseases. Last evaluated: 2024-10-01. Review status: criteria provided, single submitter. Criteria: Ambry Variant Classification Scheme 2023. Collection method: clinical testing. Allele origin: germline.

Labcorp Genetics (formerly Invitae), Labcorp
Classification: Uncertain significance for Joubert syndrome; Meckel-Gruber syndrome; Nephronophthisis. Last evaluated: 2023-07-03. Review status: criteria provided, single submitter. Criteria: Invitae Variant Classification Sherloc (09022015). Collection method: clinical testing. Allele origin: germline.
Comment: This sequence change replaces lysine, which is basic and polar, with arginine, which is basic and polar, at codon 1178 of the CEP290 protein (p.Lys1178Arg). This variant is not present in population databases (gnomAD no frequency). In summary, the available evidence is currently insufficient to determine the role of this variant in disease. Therefore, it has been classified as a Variant of Uncertain Significance. Advanced modeling of protein sequence and biophysical properties (such as structural, functional, and spatial information, amino acid conservation, physicochemical variation, residue mobility, and thermodynamic stability) performed at Invitae indicates that this missense variant is expected to disrupt CEP290 protein function. ClinVar contains an entry for this variant (Variation ID: 1381200). This variant has not been reported in the literature in individuals affected with CEP290-related conditions.

NM_025114.4(CEP290):c.3533A>G (p.Lys1178Arg)

Gene: CEP290 (centrosomal protein 290; minus strand). Cytogenetic location: 12q21.32.
Variant type: single nucleotide variant.
Coding change: c.3533A>G on transcript NM_025114.4 (MANE Select); coding-DNA position 3533, A replaced by G.
Protein change: p.Lys1178Arg; replaces lysine 1178 with arginine.
Molecular consequence: missense variant.
Genome position (GRCh38, 1-based): chr12:88,090,768, T>C on the plus strand (A>G on the coding strand, the complement: CEP290 is on the minus strand). VCF-style: chr12-88090768-T-C. GRCh37 (hg19) VCF-style: chr12-88484545-T-C.
Other names: c.3533A>G (NM_025114.3); short protein forms K1178R.
Identifiers: ClinVar variation 1381200 (VCV001381200.7), dbSNP rs2137303115, ClinGen allele CA386001838.